The following is an entry in ClinVar:

NM_178844.4(NLRC3):c.2772-51A>G

Gene: NLRC3 (NLR family CARD domain containing 3; minus strand). Cytogenetic location: 16p13.3.
Variant type: single nucleotide variant.
Coding change: c.2772-51A>G on transcript NM_178844.4 (MANE Select); 51 bases into the intron before coding-DNA position 2772, A replaced by G.
Molecular consequence: intron variant.
Genome position (GRCh38, 1-based): chr16:3,544,380, T>C on the plus strand (A>G on the coding strand, the complement: NLRC3 is on the minus strand). VCF-style: chr16-3544380-T-C. GRCh37 (hg19) VCF-style: chr16-3594380-T-C.
Identifiers: ClinVar variation 132884 (VCV000132884.2), dbSNP rs190122309, ClinGen allele CA231738.

ClinVar aggregate classification (germline): not provided (0 of 4 stars; one submission).

Allele frequency attached by ClinVar (database versions not stated): gnomAD 0.00002 and 0.00003; gnomAD exomes 0.00002; TOPMed 0.00004; 1000 Genomes Project 30x 0.00031; 1000 Genomes Project 0.00040.

Submission:

Human Evolutionary Genetics, Institut Pasteur
No classification provided. Review status: no classification provided. Collection method: not provided. Allele origin: germline.
ClinVar note: Converted during submission from untested to not provided.